The following is an entry in ClinVar:

NM_001365480.1(CCDC88A):c.3580G>A (p.Glu1194Lys)

Gene: CCDC88A (coiled-coil domain containing 88A; minus strand). Cytogenetic location: 2p16.1.
Variant type: single nucleotide variant.
Coding change: c.3580G>A on transcript NM_001365480.1 (MANE Select); coding-DNA position 3580, G replaced by A.
Protein change: p.Glu1194Lys; replaces glutamic acid 1194 with lysine.
Molecular consequence: missense variant.
Genome position (GRCh38, 1-based): chr2:55,317,586, C>T on the plus strand (G>A on the coding strand, the complement: CCDC88A is on the minus strand). VCF-style: chr2-55317586-C-T. GRCh37 (hg19) VCF-style: chr2-55544722-C-T.
Other names: c.3577G>A, p.Glu1193Lys (NM_001135597.2, NM_001254943.2); c.3580G>A, p.Glu1194Lys (NM_018084.5); short protein forms E1193K, E1194K.
Identifiers: ClinVar variation 1683539 (VCV001683539.2), dbSNP rs2104625835, ClinGen allele CA346891003.

ClinVar aggregate classification (germline): Uncertain significance (1 of 4 stars; one submission).

Conditions:
PEHO-like syndrome. Also called: PROGRESSIVE ENCEPHALOPATHY WITH EDEMA, HYPSARRHYTHMIA, AND OPTIC ATROPHY-LIKE SYNDROME. Identifiers: Orphanet 99807, MedGen C1850056, MONDO:0020495, OMIM 617507.

Submission:

Laboratorio de Genetica e Diagnostico Molecular, Hospital Israelita Albert Einstein
Classification: Uncertain significance for PEHO-like syndrome. Last evaluated: 2021-11-30. Review status: criteria provided, single submitter. Criteria: ACMG Guidelines, 2015. Collection method: clinical testing. Allele origin: germline. Affected: yes.
Comment: ACMG classification criteria: PM2 moderate, BP4 supporting